The following is an entry in ClinVar:

NM_018975.4(TERF2IP):c.746C>T (p.Ala249Val)

Gene: TERF2IP (TERF2 interacting protein; plus strand). Cytogenetic location: 16q23.1.
Variant type: single nucleotide variant.
Coding change: c.746C>T on transcript NM_018975.4 (MANE Select); coding-DNA position 746, C replaced by T.
Protein change: p.Ala249Val; replaces alanine 249 with valine.
Molecular consequence: missense variant. On other transcripts: non-coding transcript variant (1).
Genome position (GRCh38, 1-based): chr16:75,654,348, C>T. VCF-style: chr16-75654348-C-T. GRCh37 (hg19) VCF-style: chr16-75688246-C-T.
Other names: short protein forms A249V.
Identifiers: ClinVar variation 1759050 (VCV001759050.2), dbSNP rs1257345800, ClinGen allele CA396819190.

ClinVar aggregate classification (germline): Uncertain significance (1 of 4 stars; one submission).

Submission:

Ambry Genetics
Classification: Uncertain significance. Last evaluated: 2022-04-24. Review status: criteria provided, single submitter. Criteria: Ambry Variant Classification Scheme 2023. Collection method: clinical testing. Allele origin: germline.
Comment: The p.A249V variant (also known as c.746C>T), located in coding exon 2 of the TERF2IP gene, results from a C to T substitution at nucleotide position 746. The alanine at codon 249 is replaced by valine, an amino acid with similar properties. This amino acid position is conserved. In addition, this alteration is predicted to be tolerated by in silico analysis. Since supporting evidence is limited at this time, the clinical significance of this alteration remains unclear.